The following is an entry in ClinVar:

NM_001605.3(AARS1):c.1537A>G (p.Lys513Glu)

Gene: AARS1 (alanyl-tRNA synthetase 1; minus strand). Cytogenetic location: 16q22.1.
Variant type: single nucleotide variant.
Coding change: c.1537A>G on transcript NM_001605.3 (MANE Select); coding-DNA position 1537, A replaced by G.
Protein change: p.Lys513Glu; replaces lysine 513 with glutamic acid.
Molecular consequence: missense variant.
Genome position (GRCh38, 1-based): chr16:70,262,480, T>C on the plus strand (A>G on the coding strand, the complement: AARS1 is on the minus strand). VCF-style: chr16-70262480-T-C. GRCh37 (hg19) VCF-style: chr16-70296383-T-C.
Other names: short protein forms K513E.
Identifiers: ClinVar variation 2789523 (VCV002789523.3), dbSNP rs1960156160, ClinGen allele CA396560276.
Genomic context (GRCh38, chr16:70,262,480, plus strand): 5'-AGGTCTTGTCCAGCACCACTCCACACTCCTGGCCTGTGGACACCTCTTCCACGAACATCT[T>C]CTCCCTGCGCAGAGCCATCACCGTAGCCACTGTGTTCTCAAATACTGCTCAAGGGAAATG-3'
Protein context (NP_001596.2, residues 503-523): VATVMALRRE[Lys513Glu]MFVEEVSTGQ

ClinVar aggregate classification (germline): Uncertain significance (1 of 4 stars; one submission).

Conditions:
Charcot-Marie-Tooth disease type 2. Also called: Charcot-Marie-Tooth type 2. Identifiers: Orphanet 64746, MedGen C0270914, MONDO:0018993.

Submission:

Labcorp Genetics (formerly Invitae), Labcorp
Classification: Uncertain significance for Charcot-Marie-Tooth disease type 2. Last evaluated: 2024-05-15. Review status: criteria provided, single submitter. Criteria: Invitae Variant Classification Sherloc (09022015). Collection method: clinical testing. Allele origin: germline.
Comment: This sequence change replaces lysine, which is basic and polar, with glutamic acid, which is acidic and polar, at codon 513 of the AARS protein (p.Lys513Glu). This variant is not present in population databases (gnomAD no frequency). This variant has not been reported in the literature in individuals affected with AARS-related conditions. Advanced modeling of protein sequence and biophysical properties (such as structural, functional, and spatial information, amino acid conservation, physicochemical variation, residue mobility, and thermodynamic stability) performed at Invitae indicates that this missense variant is not expected to disrupt AARS protein function with a negative predictive value of 95%. In summary, the available evidence is currently insufficient to determine the role of this variant in disease. Therefore, it has been classified as a Variant of Uncertain Significance.